The following is an entry in ClinVar:

NM_000532.5(PCCB):c.1497A>G (p.Arg499=)

Gene: PCCB (propionyl-CoA carboxylase subunit beta; plus strand).
Variant type: single nucleotide variant.
Coding change: c.1497A>G on transcript NM_000532.5 (MANE Select); coding-DNA position 1497, A replaced by G.
Protein change: p.Arg499=; no amino-acid change (arginine 499 retained).
Molecular consequence: synonymous variant.
Other names: c.1557A>G, p.Arg519= (NM_001178014.2).
Identifiers: ClinVar variation 4686685 (VCV004686685.1).
Protein context (NP_000523.2, residues 489-509): KFANPFPAAV[Arg499=]GFVDDIIQPS

ClinVar aggregate classification (germline): Pathogenic (1 of 4 stars; one submission).

Conditions:
Propionic acidemia (PROP). Also called: GLYCINEMIA, KETOTIC; HYPERGLYCINEMIA WITH KETOACIDOSIS AND LEUKOPENIA; KETOTIC HYPERGLYCINEMIA. Identifiers: Orphanet 35, MedGen C0268579, MONDO:0011628, OMIM 606054, HP:0003571.

Submission:

Department of Pediatric Neurology, Tongji Hospital, Tongji Medical College, Huazhong University of Science and Technology
Classification: Pathogenic for Propionic acidemia. Last evaluated: 2026-01-25. Review status: criteria provided, single submitter. Criteria: ACMG Guidelines, 2015. Collection method: provider interpretation. Allele origin: germline. Inheritance: Autosomal recessive inheritance. Affected: yes. Observed: 1 homozygote.
Comment: Metabolic profiling showed elevated propionylcarnitine and urinary 3-hydroxypropionic acid. The variant is absent from large population databases. Based on the clinical presentation, segregation analysis, and absence from controls, this variant is classified as pathogenic.